The following is an entry in ClinVar:

NM_000230.3(LEP):c.496G>C (p.Gly166Arg)

Gene: LEP (leptin; plus strand). Cytogenetic location: 7q32.1.
Variant type: single nucleotide variant.
Coding change: c.496G>C on transcript NM_000230.3 (MANE Select); coding-DNA position 496, G replaced by C.
Protein change: p.Gly166Arg; replaces glycine 166 with arginine.
Molecular consequence: missense variant.
Genome position (GRCh38, 1-based): chr7:128,254,755, G>C. VCF-style: chr7-128254755-G-C. GRCh37 (hg19) VCF-style: chr7-127894808-G-C.
Other names: c.496G>C (NM_000230.2); short protein forms G166R.
Identifiers: ClinVar variation 1210010 (VCV001210010.6), dbSNP rs759854910, ClinGen allele CA4469729.

ClinVar aggregate classification (germline): Uncertain significance. Review status: criteria provided, multiple submitters, no conflicts (2 of 4 stars). 4 submissions from 4 submitters: Uncertain significance (2). 2 of the submissions do not count toward it. Last evaluated 2026-04-26.

Conditions:
LEP-related disorder. Also called: LEP-related condition.

Allele frequency attached by ClinVar (database versions not stated): ExAC 0.00002; TOPMed 0.00003; gnomAD 0.00005.

Submissions (4):

PreventionGenetics, part of Exact Sciences
Classification: Uncertain significance for LEP-related condition. Last evaluated: 2026-04-26. Review status: criteria provided, single submitter. Criteria: ACMG Guidelines, 2015. Collection method: clinical testing. Allele origin: germline.
Comment: The LEP c.496G>C variant is predicted to result in the amino acid substitution p.Gly166Arg. To our knowledge, this variant has not been reported in the literature. This variant is reported in 0.0039% of alleles in individuals of European (Non-Finnish) descent in gnomAD. At this time, the clinical significance of this variant is uncertain due to the absence of conclusive functional and genetic evidence.

Breakthrough Genomics
Classification: Uncertain significance. Review status: criteria provided, single submitter. Criteria: ACMG Guidelines, 2015. Collection method: not provided. Allele origin: germline. Inheritance: Autosomal recessive inheritance. Affected: yes.

Clinical Genetics, Academic Medical Center
Classification: Uncertain significance. Review status: no assertion criteria provided. Collection method: clinical testing. Allele origin: germline. Affected: yes. Study: VKGL Data-share Consensus. Not counted in ClinVar's aggregate classification.

Genome Diagnostics Laboratory, Amsterdam University Medical Center
Classification: Uncertain significance. Review status: no assertion criteria provided. Collection method: clinical testing. Allele origin: germline. Affected: yes. Study: VKGL Data-share Consensus. Not counted in ClinVar's aggregate classification.